The following is an entry in ClinVar:

NM_000038.6(APC):c.4754C>G (p.Thr1585Arg)

Gene: APC (APC regulator of Wnt signaling pathway; plus strand). Cytogenetic location: 5q22.2.
Variant type: single nucleotide variant.
Coding change: c.4754C>G on transcript NM_000038.6 (MANE Select); coding-DNA position 4754, C replaced by G.
Protein change: p.Thr1585Arg; replaces threonine 1585 with arginine.
Molecular consequence: missense variant.
Genome position (GRCh38, 1-based): chr5:112,840,348, C>G. VCF-style: chr5-112840348-C-G. GRCh37 (hg19) VCF-style: chr5-112176045-C-G.
Other names: c.3905C>G, p.Thr1302Arg (NM_001354906.2); c.4754C>G, p.Thr1585Arg (NM_001127510.3, NM_001354895.2); c.4700C>G, p.Thr1567Arg (NM_001127511.3); c.4808C>G, p.Thr1603Arg (NM_001354896.2); c.4784C>G, p.Thr1595Arg (NM_001354897.2); c.4679C>G, p.Thr1560Arg (NM_001354898.2); c.4670C>G, p.Thr1557Arg (NM_001354899.2); c.4631C>G, p.Thr1544Arg (NM_001354900.2); and 5 more; short protein forms T1567R, T1585R, T1494R, T1302R, T1425R, T1459R, T1544R, T1557R.
Identifiers: ClinVar variation 490284 (VCV000490284.18), dbSNP rs1350561160, ClinGen allele CA16031757.

ClinVar aggregate classification (germline): Uncertain significance. Review status: criteria provided, multiple submitters, no conflicts (2 of 4 stars). 5 submissions from 5 submitters: Uncertain significance (5). Last evaluated 2025-11-17.

Conditions:
Familial adenomatous polyposis 1 (FAP1). Also called: POLYPOSIS, ADENOMATOUS INTESTINAL; FAMILIAL ADENOMATOUS POLYPOSIS 1, ATTENUATED. Identifiers: MedGen C2713442, MONDO:0021056, OMIM 175100. Disease mechanism: loss of function.
Classic or attenuated familial adenomatous polyposis. Identifiers: MedGen CN372698, MONDO:0021057.
Hereditary cancer-predisposing syndrome. Also called: Hereditary Cancer Syndrome; Neoplastic Syndromes, Hereditary; Tumor predisposition; Hereditary neoplastic syndrome. Identifiers: Orphanet 140162, MedGen C0027672, MeSH D009386, MONDO:0015356.

Allele frequency attached by ClinVar (database versions not stated): gnomAD exomes below 0.00001; TOPMed 0.00001.
gnomAD v4.1: 1 of 1,614,180 alleles (0.000062%); highest among the groups gnomAD compares: Non-Finnish European, 0.000085%; no homozygotes.

Submissions (5):

Labcorp Genetics (formerly Invitae), Labcorp
Classification: Uncertain significance for Familial adenomatous polyposis 1. Last evaluated: 2025-11-17. Review status: criteria provided, single submitter. Criteria: Invitae Variant Classification Sherloc (09022015). Collection method: clinical testing. Allele origin: germline.
Comment: This sequence change replaces threonine, which is neutral and polar, with arginine, which is basic and polar, at codon 1585 of the APC protein (p.Thr1585Arg). This variant is not present in population databases (gnomAD no frequency). This variant has not been reported in the literature in individuals affected with APC-related conditions. ClinVar contains an entry for this variant (Variation ID: 490284). Invitae Evidence Modeling of protein sequence and biophysical properties (such as structural, functional, and spatial information, amino acid conservation, physicochemical variation, residue mobility, and thermodynamic stability) indicates that this missense variant is not expected to disrupt APC protein function with a negative predictive value of 95%. In summary, the available evidence is currently insufficient to determine the role of this variant in disease. Therefore, it has been classified as a Variant of Uncertain Significance.

Ambry Genetics
Classification: Uncertain significance for Hereditary cancer-predisposing syndrome. Last evaluated: 2025-03-07. Review status: criteria provided, single submitter. Criteria: Ambry Variant Classification Scheme 2023. Collection method: clinical testing. Allele origin: germline.
Comment: The p.T1585R variant (also known as c.4754C>G), located in coding exon 15 of the APC gene, results from a C to G substitution at nucleotide position 4754. The threonine at codon 1585 is replaced by arginine, an amino acid with similar properties. This amino acid position is conserved. In addition, in silico predictors for this gene do not accurately predict pathogenicity. Missense alterations in APC are not a common cause of disease (Spier I et al. Genet Med. 2024 Feb;26(2):100992). Based on the available evidence, the clinical significance of this variant remains unclear.

Color Diagnostics, LLC DBA Color Health
Classification: Uncertain significance for Hereditary cancer-predisposing syndrome. Last evaluated: 2024-03-06. Review status: criteria provided, single submitter. Criteria: ACMG Guidelines, 2015. Collection method: clinical testing. Allele origin: germline.
Comment: This missense variant replaces threonine with arginine at codon 1585 of the APC protein. Computational prediction suggests that this variant may not impact protein structure and function (internally defined REVEL score threshold <= 0.5, PMID: 27666373). To our knowledge, functional studies have not been reported for this variant. This variant has not been reported in individuals affected with APC-related disorders in the literature. This variant has not been identified in the general population by the Genome Aggregation Database (gnomAD). The available evidence is insufficient to determine the role of this variant in disease conclusively. Therefore, this variant is classified as a Variant of Uncertain Significance.

All of Us Research Program, National Institutes of Health
Classification: Uncertain significance for Classic or attenuated familial adenomatous polyposis. Last evaluated: 2023-10-02. Review status: criteria provided, single submitter. Criteria: ACMG Guidelines, 2015. Collection method: clinical testing. Allele origin: germline. Inheritance: Autosomal dominant inheritance. Observed: 1 variant allele, 1 heterozygote.
Comment: This missense variant replaces threonine with arginine at codon 1585 of the APC protein. Computational prediction suggests that this variant may not impact protein structure and function (internally defined REVEL score threshold <= 0.5, PMID: 27666373). To our knowledge, functional studies have not been reported for this variant. This variant has not been reported in individuals affected with APC-related disorders in the literature. This variant has not been identified in the general population by the Genome Aggregation Database (gnomAD). The available evidence is insufficient to determine the role of this variant in disease conclusively. Therefore, this variant is classified as a Variant of Uncertain Significance.

This study involves interpretation of variants in research participants for the purpose of population health screening. Participant phenotype was not available at the time of variant classification. Additional details can be found in publication PMID: 35346344, PMCID: PMC8962531

Baylor Genetics
Classification: Uncertain significance for Familial adenomatous polyposis 1. Last evaluated: 2023-05-24. Review status: criteria provided, single submitter. Criteria: ACMG Guidelines, 2015. Collection method: clinical testing. Allele origin: unknown.